The following is an entry in ClinVar:

ClinVar aggregate classification (germline): Uncertain significance (1 of 4 stars; one submission).

Conditions:
Familial cold autoinflammatory syndrome 3 (FCAS3). Also called: FAMILIAL ATYPICAL COLD URTICARIA; ANTIBODY DEFICIENCY AND IMMUNE DYSREGULATION, PLCG2-ASSOCIATED. Identifiers: Orphanet 300359, MedGen C3280914, MONDO:0013766, OMIM 614468.

Submission:

Labcorp Genetics (formerly Invitae), Labcorp
Classification: Uncertain significance for Familial cold autoinflammatory syndrome 3. Last evaluated: 2024-06-25. Review status: criteria provided, single submitter. Criteria: Invitae Variant Classification Sherloc (09022015). Collection method: clinical testing. Allele origin: germline.
Comment: This sequence change replaces glutamic acid, which is acidic and polar, with glycine, which is neutral and non-polar, at codon 12 of the PLCG2 protein (p.Glu12Gly). This variant is not present in population databases (gnomAD no frequency). This variant has not been reported in the literature in individuals affected with PLCG2-related conditions. An algorithm developed to predict the effect of missense changes on protein structure and function (PolyPhen-2) suggests that this variant is likely to be disruptive. In summary, the available evidence is currently insufficient to determine the role of this variant in disease. Therefore, it has been classified as a Variant of Uncertain Significance.

NM_002661.5(PLCG2):c.35A>G (p.Glu12Gly)

Gene: PLCG2 (phospholipase C gamma 2; plus strand). Cytogenetic location: 16q23.3.
Variant type: single nucleotide variant.
Coding change: c.35A>G on transcript NM_002661.5 (MANE Select); coding-DNA position 35, A replaced by G.
Protein change: p.Glu12Gly; replaces glutamic acid 12 with glycine.
Molecular consequence: missense variant.
Genome position (GRCh38, 1-based): chr16:81,786,024, A>G. VCF-style: chr16-81786024-A-G. GRCh37 (hg19) VCF-style: chr16-81819629-A-G.
Other names: c.35A>G, p.Glu12Gly (NM_001425749.1, NM_001425750.1, NM_001425751.1); short protein forms E12G.
Identifiers: ClinVar variation 3610534 (VCV003610534.2).